The following is an entry in ClinVar:

ClinVar aggregate classification (germline): Conflicting classifications of pathogenicity. Review status: criteria provided, conflicting classifications (1 of 4 stars). 2 submissions from 2 submitters: Uncertain significance (1); Likely benign (1). Last evaluated 2025-10-05.

Allele frequency attached by ClinVar (database versions not stated): TOPMed below 0.00001; gnomAD 0.00001; gnomAD exomes 0.00001.
gnomAD v4.1: 10 of 1,612,662 alleles (0.00062%); highest among the groups gnomAD compares: African/African-American, 0.0013%; no homozygotes.

Submissions (2):

Ambry Genetics
Classification: Uncertain significance. Last evaluated: 2025-10-05. Review status: criteria provided, single submitter. Criteria: Ambry Variant Classification Scheme 2023. Collection method: clinical testing. Allele origin: germline.
Comment: The p.P104S variant (also known as c.310C>T), located in coding exon 2 of the MYLK2 gene, results from a C to T substitution at nucleotide position 310. The proline at codon 104 is replaced by serine, an amino acid with similar properties. This amino acid position is conserved. In addition, this alteration is predicted to be tolerated by in silico analysis. Based on the available evidence, the clinical significance of this variant remains unclear.

GeneDx
Classification: Likely benign. Last evaluated: 2014-08-20. Review status: criteria provided, single submitter. Criteria: GeneDx Variant Classification (06012015). Collection method: clinical testing. Allele origin: germline. Affected: yes.
Comment: This variant is considered likely benign or benign based on one or more of the following criteria: it is a conservative change, it occurs at a poorly conserved position in the protein, it is predicted to be benign by multiple in silico algorithms, and/or has population frequency not consistent with disease.

NM_033118.4(MYLK2):c.310C>T (p.Pro104Ser)

Gene: MYLK2 (myosin light chain kinase 2; plus strand). Cytogenetic location: 20q11.21.
Variant type: single nucleotide variant.
Coding change: c.310C>T on transcript NM_033118.4 (MANE Select); coding-DNA position 310, C replaced by T.
Protein change: p.Pro104Ser; replaces proline 104 with serine.
Molecular consequence: missense variant.
Genome position (GRCh38, 1-based): chr20:31,820,383, C>T. VCF-style: chr20-31820383-C-T. GRCh37 (hg19) VCF-style: chr20-30408186-C-T.
Other names: p.P104S:CCT>TCT; short protein forms P104S.
Identifiers: ClinVar variation 201862 (VCV000201862.2), dbSNP rs794729066, ClinGen allele CA335250.
Genomic context (GRCh38, chr20:31,820,383, plus strand): 5'-GGGGGGCCCGCGGAGGGCAGTGCTGGGCCCCCGGCAGCCCTGCCCCAGCAGACTGCGACA[C>T]CTGAGACCAGCGTCAAGAAGCCCAAGGCTGAGCAGGGAGCCTCAGGCAGCCAGGATCCTG-3'
Protein context (NP_149109.1, residues 94-114): PAALPQQTAT[Pro104Ser]ETSVKKPKAE